The following is an entry in ClinVar:

ClinVar aggregate classification (germline): Likely pathogenic (1 of 4 stars; one submission).

Conditions:
Juvenile nephropathic cystinosis. Also called: Intermediate Cystinosis; CYSTINOSIS, LATE-ONSET JUVENILE OR ADOLESCENT NEPHROPATHIC TYPE; Later-Onset (Juvenile) Cystinosis. Identifiers: Orphanet 213, Orphanet 411634, MedGen C0268626, MONDO:0009066, OMIM 219900.
Inborn genetic diseases. Identifiers: MedGen C0950123, MeSH D030342.
Ocular cystinosis. Also called: Non-Nephropathic Cystinosis; Non-Nephropathic (Ocular) Cystinosis. Identifiers: Orphanet 213, Orphanet 411641, MedGen C2931013, MONDO:0009064, OMIM 219750.

Allele frequency attached by ClinVar (database versions not stated): gnomAD exomes below 0.00001.
gnomAD v4.1: 2 of 1,613,726 alleles (0.00012%); highest among the groups gnomAD compares: Non-Finnish European, 0.00017%; no homozygotes.

Submission:

Labcorp Genetics (formerly Invitae), Labcorp
Classification: Likely pathogenic for Inborn genetic diseases; Ocular cystinosis; Juvenile nephropathic cystinosis. Last evaluated: 2021-06-30. Review status: criteria provided, single submitter. Criteria: Invitae Variant Classification Sherloc (09022015). Collection method: clinical testing. Allele origin: germline.
Comment: This sequence change affects a donor splice site in intron 3 of the CTNS gene. It is expected to disrupt RNA splicing. Variants that disrupt the donor or acceptor splice site typically lead to a loss of protein function (PMID: 16199547), and loss-of-function variants in CTNS are known to be pathogenic (PMID: 9537412, 27102039). This variant is not present in population databases (ExAC no frequency). This variant has not been reported in the literature in individuals affected with CTNS-related conditions. Algorithms developed to predict the effect of sequence changes on RNA splicing suggest that this variant may disrupt the consensus splice site. In summary, the currently available evidence indicates that the variant is pathogenic, but additional data are needed to prove that conclusively. Therefore, this variant has been classified as Likely Pathogenic.

Literature cited by the submitters: PubMed 16199547; PubMed 9537412; PubMed 27102039.

NM_004937.3(CTNS):c.61+1G>T

Gene: CTNS (cystinosin, lysosomal cystine transporter; plus strand). Cytogenetic location: 17p13.2.
Variant type: single nucleotide variant.
Coding change: c.61+1G>T on transcript NM_004937.3 (MANE Select); the canonical splice donor site of the intron after coding-DNA position 61, G replaced by T.
Molecular consequence: splice donor variant. On other transcripts: intron variant (2).
Genome position (GRCh38, 1-based): chr17:3,640,268, G>T. VCF-style: chr17-3640268-G-T. GRCh37 (hg19) VCF-style: chr17-3543562-G-T.
Other names: c.61+1G>T (NM_001031681.3, NM_001374492.1); c.-296+1G>T (NM_001374493.1); c.-217+1G>T (NM_001374495.1); c.-381+2952G>T (NM_001374494.1); c.-296+2952G>T (NM_001374496.1).
Identifiers: ClinVar variation 1490046 (VCV001490046.8), dbSNP rs1555558116, ClinGen allele CA397686486.